The following is an entry in ClinVar:

ClinVar aggregate classification (germline): Uncertain significance (1 of 4 stars; one submission).

Conditions:
Dyskeratosis congenita. Identifiers: Orphanet 1775, MedGen C0265965, MONDO:0015780.

Allele frequency attached by ClinVar (database versions not stated): gnomAD exomes below 0.00001.

Submission:

Labcorp Genetics (formerly Invitae), Labcorp
Classification: Uncertain significance for Dyskeratosis congenita. Last evaluated: 2021-08-24. Review status: criteria provided, single submitter. Criteria: Invitae Variant Classification Sherloc (09022015). Collection method: clinical testing. Allele origin: germline.
Comment: This sequence change replaces arginine with glycine at codon 1195 of the CTC1 protein (p.Arg1195Gly). The arginine residue is highly conserved and there is a moderate physicochemical difference between arginine and glycine. This variant is not present in population databases (ExAC no frequency). This variant has not been reported in the literature in individuals affected with CTC1-related conditions. Algorithms developed to predict the effect of missense changes on protein structure and function are either unavailable or do not agree on the potential impact of this missense change (SIFT: "Deleterious"; PolyPhen-2: "Benign"; Align-GVGD: "Class C0"). In summary, the available evidence is currently insufficient to determine the role of this variant in disease. Therefore, it has been classified as a Variant of Uncertain Significance.

NM_025099.6(CTC1):c.3583C>G (p.Arg1195Gly)

Gene: CTC1 (CST telomere replication complex component 1; minus strand). Cytogenetic location: 17p13.1.
Variant type: single nucleotide variant.
Coding change: c.3583C>G on transcript NM_025099.6 (MANE Select); coding-DNA position 3583, C replaced by G.
Protein change: p.Arg1195Gly; replaces arginine 1195 with glycine.
Molecular consequence: missense variant. On other transcripts: non-coding transcript variant (1).
Genome position (GRCh38, 1-based): chr17:8,228,251, G>C on the plus strand (C>G on the coding strand, the complement: CTC1 is on the minus strand). VCF-style: chr17-8228251-G-C. GRCh37 (hg19) VCF-style: chr17-8131569-G-C.
Other names: short protein forms R1195G.
Identifiers: ClinVar variation 1043281 (VCV001043281.6), dbSNP rs199473682, ClinGen allele CA397967704.